The following is an entry in ClinVar:

NM_006005.3(WFS1):c.2663C>G (p.Ser888Trp)

Gene: WFS1 (wolframin ER transmembrane glycoprotein; plus strand). Cytogenetic location: 4p16.1.
Variant type: single nucleotide variant.
Coding change: c.2663C>G on transcript NM_006005.3 (MANE Select); coding-DNA position 2663, C replaced by G.
Protein change: p.Ser888Trp; replaces serine 888 with tryptophan.
Molecular consequence: missense variant.
Genome position (GRCh38, 1-based): chr4:6,302,458, C>G. VCF-style: chr4-6302458-C-G. GRCh37 (hg19) VCF-style: chr4-6304185-C-G.
Other names: c.2663C>G, p.Ser888Trp (NM_001145853.1); short protein forms S888W.
Identifiers: ClinVar variation 3613165 (VCV003613165.2).

ClinVar aggregate classification (germline): Uncertain significance (1 of 4 stars; one submission).

Submission:

Labcorp Genetics (formerly Invitae), Labcorp
Classification: Uncertain significance. Last evaluated: 2024-07-08. Review status: criteria provided, single submitter. Criteria: Invitae Variant Classification Sherloc (09022015). Collection method: clinical testing. Allele origin: germline.
Comment: This sequence change replaces serine, which is neutral and polar, with tryptophan, which is neutral and slightly polar, at codon 888 of the WFS1 protein (p.Ser888Trp). This variant is not present in population databases (gnomAD no frequency). This variant has not been reported in the literature in individuals affected with WFS1-related conditions. Advanced modeling of protein sequence and biophysical properties (such as structural, functional, and spatial information, amino acid conservation, physicochemical variation, residue mobility, and thermodynamic stability) performed at Invitae indicates that this missense variant is expected to disrupt WFS1 protein function with a positive predictive value of 95%. In summary, the available evidence is currently insufficient to determine the role of this variant in disease. Therefore, it has been classified as a Variant of Uncertain Significance.